The following is an entry in ClinVar:

NM_002439.5(MSH3):c.1231C>G (p.Arg411Gly)

Gene: MSH3 (mutS homolog 3; plus strand). Cytogenetic location: 5q14.1.
Variant type: single nucleotide variant.
Coding change: c.1231C>G on transcript NM_002439.5 (MANE Select); coding-DNA position 1231, C replaced by G.
Protein change: p.Arg411Gly; replaces arginine 411 with glycine.
Molecular consequence: missense variant.
Genome position (GRCh38, 1-based): chr5:80,678,984, C>G. VCF-style: chr5-80678984-C-G. GRCh37 (hg19) VCF-style: chr5-79974803-C-G.
Other names: short protein forms R411G.
Identifiers: ClinVar variation 2333903 (VCV002333903.3), dbSNP rs199659527, ClinGen allele CA360268938.
Genomic context (GRCh38, chr5:80,678,984, plus strand): 5'-TAGGGAGTGCAGCCTGCCACAGGCGAGGTTGTGTTTGATAGTTTCCAGGACTCTGCTTCT[C>G]GTTCAGAGCTAGAAACCCGGATGTCAAGCCTGCAGCCAGTAGAGCTGCTGCTTCCTTCGG-3'
Protein context (NP_002430.3, residues 401-421): VFDSFQDSAS[Arg411Gly]SELETRMSSL

ClinVar aggregate classification (germline): Uncertain significance. Review status: criteria provided, multiple submitters, no conflicts (2 of 4 stars). 2 submissions from 2 submitters: Uncertain significance (2). Last evaluated 2025-02-10.

Conditions:
Hereditary cancer-predisposing syndrome. Also called: Hereditary Cancer Syndrome; Hereditary neoplastic syndrome; Neoplastic Syndromes, Hereditary; Tumor predisposition. Identifiers: Orphanet 140162, MedGen C0027672, MeSH D009386, MONDO:0015356.

Submissions (2):

Labcorp Genetics (formerly Invitae), Labcorp
Classification: Uncertain significance. Last evaluated: 2025-02-10. Review status: criteria provided, single submitter. Criteria: Invitae Variant Classification Sherloc (09022015). Collection method: clinical testing. Allele origin: germline.
Comment: This sequence change replaces arginine, which is basic and polar, with glycine, which is neutral and non-polar, at codon 411 of the MSH3 protein (p.Arg411Gly). This variant is not present in population databases (gnomAD no frequency). This variant has not been reported in the literature in individuals affected with MSH3-related conditions. ClinVar contains an entry for this variant (Variation ID: 2333903). An algorithm developed to predict the effect of missense changes on protein structure and function (PolyPhen-2) suggests that this variant is likely to be disruptive. In summary, the available evidence is currently insufficient to determine the role of this variant in disease. Therefore, it has been classified as a Variant of Uncertain Significance.

Ambry Genetics
Classification: Uncertain significance for Hereditary cancer-predisposing syndrome. Last evaluated: 2022-12-16. Review status: criteria provided, single submitter. Criteria: Ambry Variant Classification Scheme 2023. Collection method: clinical testing. Allele origin: germline.